The following is an entry in ClinVar:

NM_001854.4(COL11A1):c.2862+2T>C

Gene: COL11A1 (collagen type XI alpha 1 chain; minus strand). Cytogenetic location: 1p21.1.
Variant type: single nucleotide variant.
Coding change: c.2862+2T>C on transcript NM_001854.4 (MANE Select); the canonical splice donor site of the intron after coding-DNA position 2862, T replaced by C.
Molecular consequence: splice donor variant.
Genome position (GRCh38, 1-based): chr1:102,970,217, A>G on the plus strand (T>C on the coding strand, the complement: COL11A1 is on the minus strand). VCF-style: chr1-102970217-A-G. GRCh37 (hg19) VCF-style: chr1-103435773-A-G.
Other names: c.2745+2T>C (NM_001190709.2); c.2898+2T>C (NM_080629.3); c.2514+2T>C (NM_080630.4).
Identifiers: ClinVar variation 2705482 (VCV002705482.3), dbSNP rs2101625861, ClinGen allele CA341160462.

ClinVar aggregate classification (germline): Likely pathogenic (1 of 4 stars; one submission).

Submission:

Labcorp Genetics (formerly Invitae), Labcorp
Classification: Likely pathogenic. Last evaluated: 2023-07-03. Review status: criteria provided, single submitter. Criteria: Invitae Variant Classification Sherloc (09022015). Collection method: clinical testing. Allele origin: germline.
Comment: In summary, the currently available evidence indicates that the variant is pathogenic, but additional data are needed to prove that conclusively. Therefore, this variant has been classified as Likely Pathogenic. Algorithms developed to predict the effect of sequence changes on RNA splicing suggest that this variant may disrupt the consensus splice site. This variant has not been reported in the literature in individuals affected with COL11A1-related conditions. This variant is not present in population databases (gnomAD no frequency). This sequence change affects a donor splice site in intron 37 of the COL11A1 gene. It is expected to disrupt RNA splicing. Variants that disrupt the donor or acceptor splice site typically lead to a loss of protein function (PMID: 16199547), and loss-of-function variants in COL11A1 are known to be pathogenic (PMID: 20513134, 21035103, 23922384, 25240749, 32427345, 32756486).

Literature cited by the submitters: PubMed 16199547; PubMed 20513134; PubMed 21035103; PubMed 23922384; PubMed 25240749; PubMed 32427345; PubMed 32756486.